The following is an entry in ClinVar:

ClinVar aggregate classification (germline): Uncertain significance (1 of 4 stars; one submission).

Conditions:
Early-infantile DEE. Also called: Early infantile epileptic encephalopathy; Ohtahara syndrome; Early infantile epileptic encephalopathy with suppression bursts. Identifiers: Orphanet 1934, MedGen C0393706, MONDO:0800491.

Submission:

Labcorp Genetics (formerly Invitae), Labcorp
Classification: Uncertain significance for Early-infantile DEE. Last evaluated: 2025-07-14. Review status: criteria provided, single submitter. Criteria: Invitae Variant Classification Sherloc (09022015). Collection method: clinical testing. Allele origin: germline.
Comment: This sequence change replaces arginine, which is basic and polar, with glycine, which is neutral and non-polar, at codon 1012 of the SPTAN1 protein (p.Arg1012Gly). This variant is not present in population databases (gnomAD no frequency). This variant has not been reported in the literature in individuals affected with SPTAN1-related conditions. ClinVar contains an entry for this variant (Variation ID: 2123317). Invitae Evidence Modeling of protein sequence and biophysical properties (such as structural, functional, and spatial information, amino acid conservation, physicochemical variation, residue mobility, and thermodynamic stability) has been performed for this missense variant. However, the output from this modeling did not meet the statistical confidence thresholds required to predict the impact of this variant on SPTAN1 protein function. In summary, the available evidence is currently insufficient to determine the role of this variant in disease. Therefore, it has been classified as a Variant of Uncertain Significance.

NM_001130438.3(SPTAN1):c.3034C>G (p.Arg1012Gly)

Gene: SPTAN1 (spectrin alpha, non-erythrocytic 1; plus strand). Cytogenetic location: 9q34.11.
Variant type: single nucleotide variant.
Coding change: c.3034C>G on transcript NM_001130438.3 (MANE Select); coding-DNA position 3034, C replaced by G.
Protein change: p.Arg1012Gly; replaces arginine 1012 with glycine.
Molecular consequence: missense variant.
Genome position (GRCh38, 1-based): chr9:128,591,504, C>G. VCF-style: chr9-128591504-C-G. GRCh37 (hg19) VCF-style: chr9-131353783-C-G.
Other names: c.3034C>G, p.Arg1012Gly (NM_001195532.2, NM_001363759.2, NM_001363765.2 and 5 more transcripts); c.3070C>G, p.Arg1024Gly (NM_001375312.2, NM_001375318.1); short protein forms R1024G, R1012G.
Identifiers: ClinVar variation 2123317 (VCV002123317.4), dbSNP rs1853518494, ClinGen allele CA375060161.